The following is an entry in ClinVar:

ClinVar aggregate classification (germline): Uncertain significance (1 of 4 stars; one submission).

Conditions:
Bethlem myopathy 1A. Also called: MYOPATHY, BENIGN CONGENITAL, WITH CONTRACTURES; Bethlem myopathy 1; Bethlem Muscular Dystrophy. Identifiers: Orphanet 610, MedGen CN029274, MONDO:0024530, OMIM 158810.

Submission:

Labcorp Genetics (formerly Invitae), Labcorp
Classification: Uncertain significance for Bethlem myopathy 1A. Last evaluated: 2024-01-04. Review status: criteria provided, single submitter. Criteria: Invitae Variant Classification Sherloc (09022015). Collection method: clinical testing. Allele origin: germline.
Comment: This sequence change replaces valine, which is neutral and non-polar, with alanine, which is neutral and non-polar, at codon 1523 of the COL6A3 protein (p.Val1523Ala). This variant is not present in population databases (gnomAD no frequency). This variant has not been reported in the literature in individuals affected with COL6A3-related conditions. Advanced modeling of protein sequence and biophysical properties (such as structural, functional, and spatial information, amino acid conservation, physicochemical variation, residue mobility, and thermodynamic stability) performed at Invitae indicates that this missense variant is not expected to disrupt COL6A3 protein function with a negative predictive value of 80%. In summary, the available evidence is currently insufficient to determine the role of this variant in disease. Therefore, it has been classified as a Variant of Uncertain Significance.

NM_004369.4(COL6A3):c.4568T>C (p.Val1523Ala)

Gene: COL6A3 (collagen type VI alpha 3 chain; minus strand). Cytogenetic location: 2q37.3.
Variant type: single nucleotide variant.
Coding change: c.4568T>C on transcript NM_004369.4 (MANE Select); coding-DNA position 4568, T replaced by C.
Protein change: p.Val1523Ala; replaces valine 1523 with alanine.
Molecular consequence: missense variant.
Genome position (GRCh38, 1-based): chr2:237,368,895, A>G on the plus strand (T>C on the coding strand, the complement: COL6A3 is on the minus strand). VCF-style: chr2-237368895-A-G. GRCh37 (hg19) VCF-style: chr2-238277538-A-G.
Other names: c.2747T>C, p.Val916Ala (NM_057166.5); c.3950T>C, p.Val1317Ala (NM_057167.4); short protein forms V1523A, V1317A, V916A.
Identifiers: ClinVar variation 2707402 (VCV002707402.3), dbSNP rs2469888884, ClinGen allele CA351192984.